The following is an entry in ClinVar:

NM_004304.5(ALK):c.4288G>T (p.Ala1430Ser)

Gene: ALK (ALK receptor tyrosine kinase; minus strand). Cytogenetic location: 2p23.2.
Variant type: single nucleotide variant.
Coding change: c.4288G>T on transcript NM_004304.5 (MANE Select); coding-DNA position 4288, G replaced by T.
Protein change: p.Ala1430Ser; replaces alanine 1430 with serine.
Molecular consequence: missense variant.
Genome position (GRCh38, 1-based): chr2:29,193,799, C>A on the plus strand (G>T on the coding strand, the complement: ALK is on the minus strand). VCF-style: chr2-29193799-C-A. GRCh37 (hg19) VCF-style: chr2-29416665-C-A.
Other names: c.1084G>T, p.Ala362Ser (NM_001353765.2); short protein forms A1430S, A362S.
Identifiers: ClinVar variation 2576892 (VCV002576892.5), dbSNP rs1338314504, ClinGen allele CA346462782.

ClinVar aggregate classification (germline): Conflicting classifications of pathogenicity. Review status: criteria provided, conflicting classifications (1 of 4 stars). 3 submissions from 3 submitters: Uncertain significance (2); Likely benign (1). Last evaluated 2026-07-22.

Conditions:
Neuroblastoma, susceptibility to, 3. Also called: ALK-Related Neuroblastic Tumor Susceptibility. Identifiers: Orphanet 635, MedGen C2751681, MONDO:0013083, OMIM 613014.
Hereditary cancer-predisposing syndrome. Also called: Hereditary neoplastic syndrome; Hereditary Cancer Syndrome; Neoplastic Syndromes, Hereditary; Tumor predisposition. Identifiers: Orphanet 140162, MedGen C0027672, MeSH D009386, MONDO:0015356.

Submissions (3):

Ambry Genetics
Classification: Likely benign for Hereditary cancer-predisposing syndrome. Last evaluated: 2026-07-22. Review status: criteria provided, single submitter. Criteria: Ambry Variant Classification Scheme 2023. Collection method: clinical testing. Allele origin: germline.

Labcorp Genetics (formerly Invitae), Labcorp
Classification: Uncertain significance for Neuroblastoma, susceptibility to, 3. Last evaluated: 2023-11-30. Review status: criteria provided, single submitter. Criteria: Invitae Variant Classification Sherloc (09022015). Collection method: clinical testing. Allele origin: germline.
Comment: This sequence change replaces alanine, which is neutral and non-polar, with serine, which is neutral and polar, at codon 1430 of the ALK protein (p.Ala1430Ser). This variant is present in population databases (no rsID available, gnomAD 0.01%). This variant has not been reported in the literature in individuals affected with ALK-related conditions. ClinVar contains an entry for this variant (Variation ID: 2576892). An algorithm developed to predict the effect of missense changes on protein structure and function (PolyPhen-2) suggests that this variant is likely to be tolerated. In summary, the available evidence is currently insufficient to determine the role of this variant in disease. Therefore, it has been classified as a Variant of Uncertain Significance.

GeneDx
Classification: Uncertain significance. Last evaluated: 2023-02-17. Review status: criteria provided, single submitter. Criteria: GeneDx Variant Classification Process June 2021. Collection method: clinical testing. Allele origin: germline. Affected: yes.
Comment: Not observed at significant frequency in large population cohorts (gnomAD); In silico analysis supports that this missense variant does not alter protein structure/function; Has not been previously published as pathogenic or benign to our knowledge